The following is an entry in ClinVar:

ClinVar aggregate classification (germline): Likely pathogenic (1 of 4 stars; one submission).

Conditions:
Joubert syndrome 21 (JBTS21). Identifiers: MedGen C3810212, MONDO:0014288, OMIM 615636.

Submission:

Labcorp Genetics (formerly Invitae), Labcorp
Classification: Likely pathogenic for Joubert syndrome 21. Last evaluated: 2019-11-18. Review status: criteria provided, single submitter. Criteria: Invitae Variant Classification Sherloc (09022015). Collection method: clinical testing. Allele origin: germline.
Comment: This sequence change affects an acceptor splice site in intron 27 of the CSPP1 gene. It is expected to disrupt RNA splicing and likely results in an absent or disrupted protein product. This variant is not present in population databases (ExAC no frequency). This variant has not been reported in the literature in individuals with CSPP1-related conditions. Algorithms developed to predict the effect of sequence changes on RNA splicing suggest that this variant may disrupt the consensus splice site, but this prediction has not been confirmed by published transcriptional studies. Donor and acceptor splice site variants typically lead to a loss of protein function (PMID: 16199547), and loss-of-function variants in CSPP1 are known to be pathogenic (PMID: 24360807, 24360808). In summary, the currently available evidence indicates that the variant is pathogenic, but additional data are needed to prove that conclusively. Therefore, this variant has been classified as Likely Pathogenic.

Literature cited by the submitters: PubMed 24360807; PubMed 24360808.

NM_001382391.1(CSPP1):c.3331-2A>G

Genes: ARFGEF1 (ARF guanine nucleotide exchange factor 1; minus strand), CSPP1 (centrosome and spindle pole associated protein 1; plus strand). Cytogenetic location: 8q13.2.
Variant type: single nucleotide variant.
Coding change: c.3331-2A>G on transcript NM_001382391.1 (MANE Select); the canonical splice acceptor site of the intron before coding-DNA position 3331, A replaced by G.
Molecular consequence: splice acceptor variant. On other transcripts: intron variant (3).
Genome position (GRCh38, 1-based): chr8:67,193,462, A>G. VCF-style: chr8-67193462-A-G. GRCh37 (hg19) VCF-style: chr8-68105697-A-G.
Other names: c.3136-2A>G (NM_001363132.2); c.3250-2A>G (NM_001363131.2); c.3055-2A>G (NM_001363133.2); c.3397-2A>G (NM_001364869.1); c.3316-2A>G (NM_024790.7); c.3316-1920A>G (NM_001438331.1); c.3163-2A>G (NM_001438330.1); c.3217-2A>G (NM_001364870.1); and 4 more.
Identifiers: ClinVar variation 958134 (VCV000958134.1), dbSNP rs1836992042, ClinGen allele CA371202812.
Genomic context (GRCh38, chr8:67,193,462, plus strand): 5'-TCACTGATTTGTGAACATATTTTGTGTTAATGACTTTCTGAAGTTCTGTTTTCTAACTAC[A>G]GGATAGCAGTCGTCCTAATGTAGCACCAGATGGTCTCTCTCTAAAATCTATATCCAGTGT-3'